The following is an entry in ClinVar:

ClinVar aggregate classification (germline): Uncertain significance (1 of 4 stars; one submission).

Conditions:
Cardiovascular phenotype. Identifiers: MedGen CN230736.

gnomAD v4.1: 6 of 1,613,984 alleles (0.00037%); highest among the groups gnomAD compares: Non-Finnish European, 0.00051%; no homozygotes.

Submission:

Ambry Genetics
Classification: Uncertain significance for Cardiovascular phenotype. Last evaluated: 2025-05-25. Review status: criteria provided, single submitter. Criteria: Ambry Variant Classification Scheme 2023. Collection method: clinical testing. Allele origin: germline.
Comment: The p.G38A variant (also known as c.113G>C), located in coding exon 2 of the SPRED1 gene, results from a G to C substitution at nucleotide position 113. The glycine at codon 38 is replaced by alanine, an amino acid with similar properties. This amino acid position is conserved. In addition, this alteration is predicted to be deleterious by in silico analysis. Based on the available evidence, the clinical significance of this variant remains unclear.

NM_152594.3(SPRED1):c.113G>C (p.Gly38Ala)

Gene: SPRED1 (sprouty related EVH1 domain containing 1; plus strand). Cytogenetic location: 15q14.
Variant type: single nucleotide variant.
Coding change: c.113G>C on transcript NM_152594.3 (MANE Select); coding-DNA position 113, G replaced by C.
Protein change: p.Gly38Ala; replaces glycine 38 with alanine.
Molecular consequence: missense variant.
Genome position (GRCh38, 1-based): chr15:38,299,453, G>C. VCF-style: chr15-38299453-G-C. GRCh37 (hg19) VCF-style: chr15-38591654-G-C.
Other names: short protein forms G38A.
Identifiers: ClinVar variation 3961404 (VCV003961404.1).